The following is an entry in ClinVar:

NM_001367624.2(ZNF469):c.8429C>G (p.Ala2810Gly)

Gene: ZNF469 (zinc finger protein 469; plus strand). Cytogenetic location: 16q24.2.
Variant type: single nucleotide variant.
Coding change: c.8429C>G on transcript NM_001367624.2 (MANE Select); coding-DNA position 8429, C replaced by G.
Protein change: p.Ala2810Gly; replaces alanine 2810 with glycine.
Molecular consequence: missense variant.
Genome position (GRCh38, 1-based): chr16:88,435,899, C>G. VCF-style: chr16-88435899-C-G. GRCh37 (hg19) VCF-style: chr16-88502307-C-G.
Other names: NM_001127464.1:c.8345C>G; short protein forms A2810G.
Identifiers: ClinVar variation 3987344 (VCV003987344.1).

ClinVar aggregate classification (germline): Uncertain significance (1 of 4 stars; one submission).

Conditions:
Cardiovascular phenotype. Identifiers: MedGen CN230736.

gnomAD v4.1: 5 of 1,549,954 alleles (0.00032%); highest among the groups gnomAD compares: Middle Eastern, 0.017%; no homozygotes.

Submission:

Ambry Genetics
Classification: Uncertain significance for Cardiovascular phenotype. Last evaluated: 2025-05-10. Review status: criteria provided, single submitter. Criteria: Ambry Variant Classification Scheme 2023. Collection method: clinical testing. Allele origin: germline.
Comment: The p.A2782G variant (also known as c.8345C>G), located in coding exon 2 of the ZNF469 gene, results from a C to G substitution at nucleotide position 8345. The alanine at codon 2782 is replaced by glycine, an amino acid with similar properties. This amino acid position is conserved. In addition, this alteration is predicted to be tolerated by in silico analysis. Based on the available evidence, the clinical significance of this variant remains unclear.